The following is an entry in ClinVar:

NM_001127453.2(GSDME):c.577-15C>T

Gene: GSDME (gasdermin E; minus strand). Cytogenetic location: 7p15.3.
Variant type: single nucleotide variant.
Coding change: c.577-15C>T on transcript NM_001127453.2 (MANE Select); 15 bases into the intron before coding-DNA position 577, C replaced by T.
Molecular consequence: intron variant.
Genome position (GRCh38, 1-based): chr7:24,717,389, G>A on the plus strand (C>T on the coding strand, the complement: GSDME is on the minus strand). VCF-style: chr7-24717389-G-A. GRCh37 (hg19) VCF-style: chr7-24757008-G-A.
Other names: c.85-15C>T (NM_001127454.2); c.577-15C>T (NM_004403.3).
Identifiers: ClinVar variation 44846 (VCV000044846.20), dbSNP rs11970787, ClinGen allele CA135168.
Genomic context (GRCh38, chr7:24,717,389, plus strand): 5'-CCACGTTGGAGTCCTTGGTGACATTCCCATCCTCCGTCGCTGACACCTGTGGGCAAAAGC[G>A]CACACTCCCACCTGTGCACTCGGGCTCTCCAAGCTGCTCTGTTCCCCACTGCAGCCAGCC-3'

ClinVar aggregate classification (germline): Benign/Likely benign. Review status: criteria provided, multiple submitters, no conflicts (2 of 4 stars). 6 submissions from 6 submitters: Benign (3); Likely benign (3). Last evaluated 2026-01-26.

Conditions:
Autosomal dominant nonsyndromic hearing loss 5. Identifiers: Orphanet 90635, MedGen C1832932, MONDO:0010973, OMIM 600994.

Allele frequency attached by ClinVar (database versions not stated): gnomAD exomes 0.00137 and 0.00299; ExAC 0.00316; TOPMed 0.00624; gnomAD 0.00629 and 0.00666; 1000 Genomes Project 0.00639; ESP Exome Variant Server 0.00730; 1000 Genomes Project 30x 0.00750.
gnomAD v4.1: 3,047 of 1,613,978 alleles (0.19%); highest among the groups gnomAD compares: African/African-American, 1.9%; 19 homozygotes.

Submissions (6):

Labcorp Genetics (formerly Invitae), Labcorp
Classification: Benign. Last evaluated: 2026-01-26. Review status: criteria provided, single submitter. Criteria: Invitae Variant Classification Sherloc (09022015). Collection method: clinical testing. Allele origin: germline.

Blueprint Genetics
Classification: Likely benign. Last evaluated: 2024-11-06. Review status: criteria provided, single submitter. Criteria: ACMG Guidelines, 2015. Collection method: clinical testing. Allele origin: germline.

GeneDx
Classification: Likely benign. Last evaluated: 2018-08-21. Review status: criteria provided, single submitter. Criteria: GeneDx Variant Classification Process June 2021. Collection method: clinical testing. Allele origin: germline. Affected: yes.

Illumina Laboratory Services, Illumina
Classification: Benign for Autosomal dominant nonsyndromic hearing loss 5. Last evaluated: 2018-01-13. Review status: criteria provided, single submitter. Criteria: ICSL Variant Classification Criteria 13 December 2019. Collection method: clinical testing. Allele origin: germline.
Comment: This variant was observed in the ICSL laboratory as part of a predisposition screen in an ostensibly healthy population. It had not been previously curated by ICSL or reported in the Human Gene Mutation Database (HGMD: prior to June 1st, 2018), and was therefore a candidate for classification through an automated scoring system. Utilizing variant allele frequency, disease prevalence and penetrance estimates, and inheritance mode, an automated score was calculated to assess if this variant is too frequent to cause the disease. Based on the score and internal cut-off values, a variant classified as benign is not then subjected to further curation. The score for this variant resulted in a classification of benign for this disease.

Laboratory for Molecular Medicine, Mass General Brigham Personalized Medicine
Classification: Benign. Last evaluated: 2012-05-07. Review status: criteria provided, single submitter. Criteria: LMM Criteria. Collection method: clinical testing. Allele origin: germline. Observed: 12 variant alleles.
Comment: 577-15C>T in Intron 04 of DFNA5: This variant is not expected to have clinical s ignificance because it has been identified in 2.2% (83/3738) of African American chromosomes from a broad population by the NHLBI Exome Sequencing Project (dbSNP rs11970787).

Breakthrough Genomics
Classification: Likely benign. Review status: criteria provided, single submitter. Criteria: ACMG Guidelines, 2015. Collection method: not provided. Allele origin: germline. Inheritance: Autosomal dominant inheritance. Affected: yes.